The following is an entry in ClinVar:

ClinVar aggregate classification (germline): Pathogenic (1 of 4 stars; one submission).

Submission:

Labcorp Genetics (formerly Invitae), Labcorp
Classification: Pathogenic. Last evaluated: 2025-12-04. Review status: criteria provided, single submitter. Criteria: Invitae Variant Classification Sherloc (09022015). Collection method: clinical testing. Allele origin: germline.
Comment: This sequence change creates a premature translational stop signal (p.Asp1974delinsGlyGlyGlyHisLeu*) in the MYO18B gene. It is expected to result in an absent or disrupted protein product. Loss-of-function variants in MYO18B are known to be pathogenic (PMID: 25748484, 32184166, 32637634). This variant is not present in population databases (gnomAD no frequency). This variant has not been reported in the literature in individuals affected with MYO18B-related conditions. For these reasons, this variant has been classified as Pathogenic.

Literature cited by the submitters: PubMed 25748484; PubMed 32184166; PubMed 32637634.

NM_032608.7(MYO18B):c.5905_5920dup (p.Asp1974delinsGlyGlyGlyHisLeuTer)

Gene: MYO18B (myosin XVIIIB; plus strand). Cytogenetic location: 22q12.1.
Variant type: Duplication.
Coding change: c.5905_5920dup on transcript NM_032608.7 (MANE Select); coding-DNA positions 5905 to 5920, 16 bases duplicated (GAGGCGGTCATCTGTG).
Protein change: p.Asp1974delinsGlyGlyGlyHisLeuTer.
Molecular consequence: nonsense.
Genome position (GRCh38, 1-based): chr22:25,952,358-25,952,373, GAGGCGGTCATCTGTG duplicated; duplicating any 16 consecutive bases within chr22:25,952,357-25,952,373 gives the same sequence; the c. name uses the placement nearest the transcript's 3' end. VCF-style (leftmost placement, unchanged base first): chr22-25952356-A-AGGAGGCGGTCATCTGT. GRCh37 (hg19) VCF-style: chr22-26348322-A-AGGAGGCGGTCATCTGT.
Other names: c.5908_5923dup, p.Asp1975delinsGlyGlyGlyHisLeuTer (NM_001318245.2).
Identifiers: ClinVar variation 4693613 (VCV004693613.1).